The following is an entry in ClinVar:

NM_005097.4(LGI1):c.1128G>A (p.Trp376Ter)

Gene: LGI1 (leucine rich glioma inactivated 1; plus strand). Cytogenetic location: 10q23.33.
Variant type: single nucleotide variant.
Coding change: c.1128G>A on transcript NM_005097.4 (MANE Select); coding-DNA position 1128, G replaced by A.
Protein change: p.Trp376Ter; replaces tryptophan 376 with a stop codon.
Molecular consequence: nonsense. On other transcripts: non-coding transcript variant (1), intron variant (1).
Genome position (GRCh38, 1-based): chr10:93,797,257, G>A. VCF-style: chr10-93797257-G-A. GRCh37 (hg19) VCF-style: chr10-95557014-G-A.
Other names: c.984G>A, p.Trp328Ter (NM_001308276.2); c.839-492G>A (NM_001308275.2); short protein forms W376*, W328*.
Identifiers: ClinVar variation 408590 (VCV000408590.10), dbSNP rs1060502053, ClinGen allele CA16613271.

ClinVar aggregate classification (germline): Pathogenic (1 of 4 stars; one submission).

Conditions:
Autosomal dominant epilepsy with auditory features. Identifiers: Orphanet 101046, MedGen C1838062, MONDO:0010898.

Submission:

Labcorp Genetics (formerly Invitae), Labcorp
Classification: Pathogenic for Autosomal dominant epilepsy with auditory features. Last evaluated: 2024-05-28. Review status: criteria provided, single submitter. Criteria: Invitae Variant Classification Sherloc (09022015). Collection method: clinical testing. Allele origin: germline.
Comment: This sequence change creates a premature translational stop signal (p.Trp376*) in the LGI1 gene. While this is not anticipated to result in nonsense mediated decay, it is expected to disrupt the last 182 amino acid(s) of the LGI1 protein. This variant is not present in population databases (gnomAD no frequency). This variant has not been reported in the literature in individuals affected with LGI1-related conditions. ClinVar contains an entry for this variant (Variation ID: 408590). This variant disrupts a region of the LGI1 protein in which other variant(s) (p.Arg474*) have been determined to be pathogenic (PMID: 11978770, 15349881). This suggests that this is a clinically significant region of the protein, and that variants that disrupt it are likely to be disease-causing. For these reasons, this variant has been classified as Pathogenic.

Literature cited by the submitters: PubMed 11978770; PubMed 15349881.